The following is an entry in ClinVar:

ClinVar aggregate classification (germline): Pathogenic/Likely pathogenic. Review status: criteria provided, multiple submitters, no conflicts (2 of 4 stars). 4 submissions from 4 submitters: Pathogenic (1); Likely pathogenic (1). 2 of the submissions do not count toward it. Last evaluated 2024-02-21.

Conditions:
von Willebrand disease type 3 (VWD3). Also called: Type 3 Von Willebrand's disease; Type 3 VWD; Von Willebrand disease, severe form; V WD3; VON WILLEBRAND DISEASE, TYPE III. Identifiers: Orphanet 166096, MedGen C1264041, MONDO:0010191, OMIM 277480.
von Willebrand disease type 1 (VWD1). Also called: VWD, TYPE 1; VON WILLEBRAND DISEASE, TYPE I. Identifiers: Orphanet 166078, Orphanet 903, MedGen C1264039, MONDO:0008668, OMIM 193400. Inheritance: autosomal recessive or autosomal dominant.

Allele frequency attached by ClinVar (database versions not stated): gnomAD exomes below 0.00001.
gnomAD v4.1: 2 of 1,614,194 alleles (0.00012%); highest among the groups gnomAD compares: Non-Finnish European, 0.00017%; no homozygotes.

Submissions (4):

GeneDx
Classification: Likely pathogenic. Last evaluated: 2024-02-21. Review status: criteria provided, single submitter. Criteria: GeneDx Variant Classification Process June 2021. Collection method: clinical testing. Allele origin: germline. Affected: yes.
Comment: Identified in unrelated patients with von Willebrand disease referred for genetic testing at GeneDx and in published literature (PMID: 16985174, 28971901, 23777763, 34351388); Published functional studies demonstrate C2304Y results in impaired protein secretion (PMID: 19566550); Not observed in large population cohorts (gnomAD); In silico analysis supports that this missense variant has a deleterious effect on protein structure/function; This variant is associated with the following publications: (PMID: 21534937, 18315556, 18230755, 18344424, 17488667, 23777763, 28971901, 34351388, 16985174, 19566550)

Laboratory of Hematology, Radboud University Medical Center
Classification: Pathogenic for von Willebrand disease type 1. Last evaluated: 2021-12-06. Review status: criteria provided, single submitter. Criteria: ACMG Guidelines, 2015. Collection method: research. Allele origin: germline. Affected: yes. Observed: 4 variant alleles. Study: WIN study.

Angelo Bianchi Bonomi Hemophilia and Thrombosis Center, Fondazione IRCCS Ca Granda Ospedale Maggiore Policlinico
Classification: Likely pathogenic for von Willebrand disease type 3. Last evaluated: 2020-11-01. Review status: no assertion criteria provided. Collection method: clinical testing. Allele origin: germline. Affected: yes. Study: Type 3 Von Willebrand International Registries Inhibitor Prospective Study (3WINTERS-IPS). Not counted in ClinVar's aggregate classification.
Comment: ClinGen Pathogenicity Calculator

Academic Unit of Haematology, University of Sheffield
No classification provided. Review status: no classification provided. Collection method: not provided. Allele origin: not provided. Not counted in ClinVar's aggregate classification.

NM_000552.5(VWF):c.6911G>A (p.Cys2304Tyr)

Gene: VWF (von Willebrand factor; minus strand). Cytogenetic location: 12p13.31.
Variant type: single nucleotide variant.
Coding change: c.6911G>A on transcript NM_000552.5 (MANE Select); coding-DNA position 6911, G replaced by A.
Protein change: p.Cys2304Tyr; replaces cysteine 2304 with tyrosine.
Molecular consequence: missense variant.
Genome position (GRCh38, 1-based): chr12:5,985,110, C>T on the plus strand (G>A on the coding strand, the complement: VWF is on the minus strand). VCF-style: chr12-5985110-C-T. GRCh37 (hg19) VCF-style: chr12-6094276-C-T.
Other names: p.C2304Y; short protein forms C2304Y.
Identifiers: ClinVar variation 100451 (VCV000100451.6), dbSNP rs61750626, ClinGen allele CA228762.
Genomic context (GRCh38, chr12:5,985,110, plus strand): 5'-TCATACTCGGGGCAGCACTGGTCTGCATTCTGGCGGAGGCGGGCTACTTCACACAGGCCA[C>T]ACGTGGGAGCTAGAGGAGAGGAACGGCCACAAAAGTCAGAGAAATTAGTGGTGGGACAGC-3'
Protein context (NP_000543.3, residues 2294-2314): QPCPTAKAPT[Cys2304Tyr]GLCEVARLRQ